The following is an entry in ClinVar:

NM_001453.3(FOXC1):c.474C>T (p.Ser158=)

Gene: FOXC1 (forkhead box C1; plus strand). Cytogenetic location: 6p25.3.
Variant type: single nucleotide variant.
Coding change: c.474C>T on transcript NM_001453.3 (MANE Select); coding-DNA position 474, C replaced by T.
Protein change: p.Ser158=; no amino-acid change (serine 158 retained).
Molecular consequence: synonymous variant.
Genome position (GRCh38, 1-based): chr6:1,610,919, C>T. VCF-style: chr6-1610919-C-T. GRCh37 (hg19) VCF-style: chr6-1611154-C-T.
Other names: c.474C>T (NM_001453.2).
Identifiers: ClinVar variation 497446 (VCV000497446.15), dbSNP rs369346224, ClinGen allele CA3614765.
Genomic context (GRCh38, chr6:1,610,919, plus strand): 5'-GGTGCCGCGCGACGACAAGAAGCCGGGCAAGGGCAGCTACTGGACGCTGGACCCGGACTC[C>T]TACAACATGTTCGAGAACGGCAGCTTCCTGCGGCGGCGGCGGCGCTTCAAGAAGAAGGAC-3'
Protein context (NP_001444.2, residues 148-168): KGSYWTLDPD[Ser158=]YNMFENGSFL

ClinVar aggregate classification (germline): Conflicting classifications of pathogenicity. Review status: criteria provided, conflicting classifications (1 of 4 stars). 4 submissions from 4 submitters: Uncertain significance (1); Likely benign (2). 1 of the submissions does not count toward it. Last evaluated 2026-02-02.

Conditions:
FOXC1-related disorder. Also called: FOXC1-related condition.
Axenfeld-Rieger syndrome type 3 (RIEG3). Also called: AXENFELD-RIEGER ANOMALY WITH CARDIAC DEFECTS AND/OR SENSORINEURAL HEARING LOSS. Identifiers: Orphanet 782, MedGen C2678503, MONDO:0011233, OMIM 602482.

Allele frequency attached by ClinVar (database versions not stated): gnomAD 0.00004 and 0.00011; TOPMed 0.00006; gnomAD exomes 0.00009; ExAC 0.00012; 1000 Genomes Project 0.00100; 1000 Genomes Project 30x 0.00109.
gnomAD v4.1: 74 of 1,613,986 alleles (0.0046%); highest among the groups gnomAD compares: South Asian, 0.048%; no homozygotes.

Submissions (4):

Labcorp Genetics (formerly Invitae), Labcorp
Classification: Likely benign for Axenfeld-Rieger syndrome type 3. Last evaluated: 2026-02-02. Review status: criteria provided, single submitter. Criteria: Invitae Variant Classification Sherloc (09022015). Collection method: clinical testing. Allele origin: germline.

Blueprint Genetics
Classification: Likely benign. Last evaluated: 2024-10-23. Review status: criteria provided, single submitter. Criteria: ACMG Guidelines, 2015. Collection method: clinical testing. Allele origin: germline.

Eurofins Ntd Llc (ga)
Classification: Uncertain significance. Last evaluated: 2016-10-20. Review status: criteria provided, single submitter. Criteria: EGL Classification Definitions 2015. Collection method: clinical testing. Allele origin: germline. Observed: 1 variant allele, 1 heterozygote.

PreventionGenetics, part of Exact Sciences
Classification: Likely benign for FOXC1-related condition. Last evaluated: 2019-10-02. Review status: no assertion criteria provided. Collection method: clinical testing. Allele origin: germline. Not counted in ClinVar's aggregate classification.
Comment: This variant is classified as likely benign based on ACMG/AMP sequence variant interpretation guidelines (Richards et al. 2015 PMID: 25741868, with internal and published modifications).